The following is an entry in ClinVar:

ClinVar aggregate classification (germline): Uncertain significance. Review status: criteria provided, multiple submitters, no conflicts (2 of 4 stars). 2 submissions from 2 submitters: Uncertain significance (2). Last evaluated 2025-08-13.

Conditions:
Immunodeficiency 104. Also called: Severe combined immunodeficiency, autosomal recessive, T cell-negative, B cell-positive, NK cell-positive; SCID, AUTOSOMAL RECESSIVE, T CELL-NEGATIVE, B CELL-POSITIVE, NK CELL-POSITIVE; IMMUNODEFICIENCY 104, SEVERE COMBINED; Severe Combined Immune Deficiency, Autosomal Recessive, TCell -Negative, B Cell-Positive, NK Cell-Positive, IL7R-Related. Identifiers: MedGen C5676890, MONDO:0012163, OMIM 608971.
Inborn genetic diseases. Identifiers: MedGen C0950123, MeSH D030342.

Allele frequency attached by ClinVar (database versions not stated): gnomAD exomes below 0.00001 and 0.00001; TOPMed below 0.00001; ExAC 0.00001; gnomAD 0.00001.
gnomAD v4.1: 8 of 1,612,032 alleles (0.0005%); highest among the groups gnomAD compares: Middle Eastern, 0.017%; no homozygotes.

Submissions (2):

Ambry Genetics
Classification: Uncertain significance for Inborn genetic diseases. Last evaluated: 2025-08-13. Review status: criteria provided, single submitter. Criteria: Ambry Variant Classification Scheme 2023. Collection method: clinical testing. Allele origin: germline.

Labcorp Genetics (formerly Invitae), Labcorp
Classification: Uncertain significance for Immunodeficiency 104. Last evaluated: 2021-08-31. Review status: criteria provided, single submitter. Criteria: Invitae Variant Classification Sherloc (09022015). Collection method: clinical testing. Allele origin: germline.
Comment: This sequence change replaces asparagine with threonine at codon 1184 of the PTPRC protein (p.Asn1184Thr). The asparagine residue is highly conserved and there is a small physicochemical difference between asparagine and threonine. This variant is present in population databases (rs762923302, ExAC 0.002%). This variant has not been reported in the literature in individuals affected with PTPRC-related conditions. Algorithms developed to predict the effect of missense changes on protein structure and function are either unavailable or do not agree on the potential impact of this missense change (SIFT: "Deleterious"; PolyPhen-2: "Possibly Damaging"; Align-GVGD: "Class C0"). In summary, the available evidence is currently insufficient to determine the role of this variant in disease. Therefore, it has been classified as a Variant of Uncertain Significance.

NM_002838.5(PTPRC):c.3551A>C (p.Asn1184Thr)

Gene: PTPRC (protein tyrosine phosphatase receptor type C; plus strand). Cytogenetic location: 1q32.1.
Variant type: single nucleotide variant.
Coding change: c.3551A>C on transcript NM_002838.5 (MANE Select); coding-DNA position 3551, A replaced by C.
Protein change: p.Asn1184Thr; replaces asparagine 1184 with threonine.
Molecular consequence: missense variant.
Genome position (GRCh38, 1-based): chr1:198,754,310, A>C. VCF-style: chr1-198754310-A-C. GRCh37 (hg19) VCF-style: chr1-198723439-A-C.
Other names: c.3545A>C (NM_002838.3); c.3068A>C, p.Asn1023Thr (NM_080921.4); short protein forms N1023T, N1184T.
Identifiers: ClinVar variation 845747 (VCV000845747.8), dbSNP rs762923302, ClinGen allele CA1315484.